The following is an entry in ClinVar:

NM_001347721.2(DYRK1A):c.1051_1052dup (p.Phe352fs)

Gene: DYRK1A (dual specificity tyrosine phosphorylation regulated kinase 1A; plus strand). Cytogenetic location: 21q22.13.
Variant type: Microsatellite.
Coding change: c.1051_1052dup on transcript NM_001347721.2 (MANE Select); coding-DNA positions 1051 to 1052, 2 bases duplicated (CT; older notation c.1051_1052dupCT).
Protein change: p.Phe352fs; shifts the reading frame from phenylalanine 352.
Molecular consequence: frameshift variant.
Genome position (GRCh38, 1-based): chr21:37,493,143-37,493,144, CT duplicated; duplicating any 2 consecutive bases within chr21:37,493,141-37,493,144 gives the same sequence; the c. name uses the placement nearest the transcript's 3' end. VCF-style (leftmost placement, unchanged base first): chr21-37493140-C-CCT. GRCh37 (hg19) VCF-style: chr21-38865442-C-CCT.
Other names: c.1051_1052dup, p.Phe352fs (NM_130436.2, NM_001347722.2); c.1078_1079dup, p.Phe361fs (NM_130438.2, NM_001396.5, NM_101395.2); c.964_965dup, p.Phe323fs (NM_001347723.2); short protein forms F352fs, F361fs, F323fs.
Identifiers: ClinVar variation 4245910 (VCV004245910.1).

ClinVar aggregate classification (germline): Pathogenic (1 of 4 stars; one submission).

Conditions:
Inborn genetic diseases. Identifiers: MedGen C0950123, MeSH D030342.

Submission:

Ambry Genetics
Classification: Pathogenic for Inborn genetic diseases. Last evaluated: 2025-07-22. Review status: criteria provided, single submitter. Criteria: Ambry Variant Classification Scheme 2023. Collection method: clinical testing. Allele origin: germline.
Comment: The c.1078_1079dupCT (p.F361Cfs*8) alteration, located in exon 7 (coding exon 7) of the DYRK1A gene, consists of a duplication of CT at position 1078, causing a translational frameshift with a predicted alternate stop codon after 8 amino acids. This alteration is expected to result in loss of function by premature protein truncation or nonsense-mediated mRNA decay. This variant was not reported in population-based cohorts in the Genome Aggregation Database (gnomAD). This variant was determined to be de novo in at least one individual with features consistent with DYRK1A-related neurodevelopmental disorder (Zhang, 2024). Based on the available evidence, this alteration is classified as pathogenic.

Literature cited by the submitters: PubMed 38837156.